The following is an entry in ClinVar:

ClinVar aggregate classification (germline): Likely pathogenic (1 of 4 stars; one submission).

Conditions:
Carpenter syndrome. Identifiers: Orphanet 65759, MedGen C1275078, MONDO:0019012.

Allele frequency attached by ClinVar (database versions not stated): gnomAD exomes below 0.00001.
gnomAD v4.1: 1 of 1,613,792 alleles (0.000062%); highest among the groups gnomAD compares: Non-Finnish European, 0.000085%; no homozygotes.

Submission:

Women's Health and Genetics/Laboratory Corporation of America, LabCorp
Classification: Likely pathogenic for Carpenter syndrome. Last evaluated: 2023-03-06. Review status: criteria provided, single submitter. Criteria: LabCorp Variant Classification Summary - May 2015. Collection method: clinical testing. Allele origin: germline.
Comment: Variant summary: MEGF8 c.1741C>T (p.Gln581X) results in a premature termination codon, predicted to cause a truncation of the encoded protein or absence of the protein due to nonsense mediated decay, which are commonly known mechanisms for disease. Truncations downstream of this position have been reported in affected individuals (HGMD). The variant was absent in 250860 control chromosomes (gnomAD). To our knowledge, no occurrence of c.1741C>T in individuals affected with Carpenter Syndrome - Type 2 and no experimental evidence demonstrating its impact on protein function have been reported. No clinical diagnostic laboratories have submitted clinical-significance assessments for this variant to ClinVar after 2014. Based on the evidence outlined above, the variant was classified as likely pathogenic.

NM_001271938.2(MEGF8):c.1741C>T (p.Gln581Ter)

Gene: MEGF8 (multiple EGF like domains 8; plus strand). Cytogenetic location: 19q13.2.
Variant type: single nucleotide variant.
Coding change: c.1741C>T on transcript NM_001271938.2 (MANE Select); coding-DNA position 1741, C replaced by T.
Protein change: p.Gln581Ter; replaces glutamine 581 with a stop codon.
Molecular consequence: nonsense.
Genome position (GRCh38, 1-based): chr19:42,344,026, C>T. VCF-style: chr19-42344026-C-T. GRCh37 (hg19) VCF-style: chr19-42848178-C-T.
Other names: c.1741C>T, p.Gln581Ter (NM_001410.3); short protein forms Q581*.
Identifiers: ClinVar variation 2501123 (VCV002501123.1), dbSNP rs2514272812, ClinGen allele CA406092640.